The following is an entry in ClinVar:

NM_000038.6(APC):c.1193dup (p.Arg399fs)

Gene: APC (APC regulator of Wnt signaling pathway; plus strand). Cytogenetic location: 5q22.2.
Variant type: Duplication.
Coding change: c.1193dup on transcript NM_000038.6 (MANE Select); coding-DNA position 1193, one base duplicated (A; older notation c.1193dupA).
Protein change: p.Arg399fs; shifts the reading frame from arginine 399.
Molecular consequence: frameshift variant. On other transcripts: non-coding transcript variant (2), intron variant (15).
Genome position (GRCh38, 1-based): chr5:112,819,225, A duplicated; the last of 2 consecutive A bases (chr5:112,819,224-112,819,225); duplicating either gives the same sequence. VCF-style (leftmost placement, unchanged base first): chr5-112819223-C-CA. GRCh37 (hg19) VCF-style: chr5-112154920-C-CA.
Other names: c.1193dupA (NM_000038.5); c.1193dup, p.Arg399fs (NM_001127510.3, NM_001354895.2, NM_001354896.2 and 4 more transcripts); c.1139dup, p.Arg381fs (NM_001127511.3); c.1223dup, p.Arg409fs (NM_001354897.2, NM_001407446.1); c.1118dup, p.Arg374fs (NM_001354898.2, NM_001407451.1); c.1109dup, p.Arg371fs (NM_001354899.2, NM_001407452.1); c.1016dup, p.Arg340fs (NM_001354900.2, NM_001354901.2, NM_001407453.1); c.344dup, p.Arg116fs (NM_001354906.2, NM_001407470.1); and 6 more; short protein forms R116fs, R340fs, R371fs, R374fs, R381fs, R399fs, R409fs.
Identifiers: ClinVar variation 2583470 (VCV002583470.3), dbSNP rs2533051921, ClinGen allele CA2582341257.

ClinVar aggregate classification (germline): Pathogenic. Review status: criteria provided, multiple submitters, no conflicts (2 of 4 stars). 2 submissions from 2 submitters: Pathogenic (2). Last evaluated 2025-12-24.

Conditions:
Hereditary cancer-predisposing syndrome. Also called: Neoplastic Syndromes, Hereditary; Tumor predisposition; Hereditary Cancer Syndrome; Hereditary neoplastic syndrome. Identifiers: Orphanet 140162, MedGen C0027672, MeSH D009386, MONDO:0015356.
Familial adenomatous polyposis 1 (FAP1). Also called: FAMILIAL ADENOMATOUS POLYPOSIS 1, ATTENUATED; POLYPOSIS, ADENOMATOUS INTESTINAL. Identifiers: MedGen C2713442, MONDO:0021056, OMIM 175100. Disease mechanism: loss of function.

Submissions (2):

Ambry Genetics
Classification: Pathogenic for Hereditary cancer-predisposing syndrome. Last evaluated: 2025-12-24. Review status: criteria provided, single submitter. Criteria: Ambry Variant Classification Scheme 2023. Collection method: clinical testing. Allele origin: germline.
Comment: The c.1193dupA pathogenic mutation, located in coding exon 9 of the APC gene, results from a duplication of A at nucleotide position 1193, causing a translational frameshift with a predicted alternate stop codon (p.R399Efs*5). This variant was reported in individual(s) with features consistent with APC-related familial adenomatous polyposis (Ambry internal data). This variant is considered to be rare based on population cohorts in the Genome Aggregation Database (gnomAD). This alteration is expected to result in loss of function by premature protein truncation or nonsense-mediated mRNA decay. As such, this alteration is interpreted as a disease-causing mutation.

Myriad Genetics, Inc.
Classification: Pathogenic for Familial adenomatous polyposis 1. Last evaluated: 2023-04-28. Review status: criteria provided, single submitter. Criteria: Myriad Autosomal Dominant, Autosomal Recessive and X-Linked Classification Criteria (2023). Collection method: clinical testing. Allele origin: unknown.
Comment: This variant is considered pathogenic. This variant creates a frameshift predicted to result in premature protein truncation.